The following is an entry in ClinVar:

NM_018972.4(GDAP1):c.345C>G (p.Ser115Arg)

Gene: GDAP1 (ganglioside induced differentiation associated protein 1; plus strand). Cytogenetic location: 8q21.11.
Variant type: single nucleotide variant.
Coding change: c.345C>G on transcript NM_018972.4 (MANE Select); coding-DNA position 345, C replaced by G.
Protein change: p.Ser115Arg; replaces serine 115 with arginine.
Molecular consequence: missense variant. On other transcripts: intron variant (1).
Genome position (GRCh38, 1-based): chr8:74,360,171, C>G. VCF-style: chr8-74360171-C-G. GRCh37 (hg19) VCF-style: chr8-75272406-C-G.
Other names: c.141C>G, p.Ser47Arg (NM_001040875.4); c.18C>G, p.Ser6Arg (NM_001362929.2, NM_001362932.2); c.345C>G, p.Ser115Arg (NM_001362931.2); c.311-1713C>G (NM_001362930.2); short protein forms S115R, S47R, S6R.
Identifiers: ClinVar variation 3063748 (VCV003063748.5), dbSNP rs1472198181, ClinGen allele CA371548413.

ClinVar aggregate classification (germline): Uncertain significance. Review status: criteria provided, multiple submitters, no conflicts (2 of 4 stars). 4 submissions from 4 submitters: Uncertain significance (4). Last evaluated 2025-08-12.

Conditions:
GDAP1-related disorder. Also called: GDAP1-related condition; GDAP1-related disorders.
Charcot-Marie-Tooth disease type 4A. Also called: Charcot-Marie-Tooth disease, demyelinating, autosomal recessive, type 4a. Identifiers: Orphanet 99948, MedGen C1859198, MONDO:0008961, OMIM 214400.

Allele frequency attached by ClinVar (database versions not stated): TOPMed 0.00001; gnomAD 0.00002.
gnomAD v4.1: 5 of 1,613,180 alleles (0.00031%); highest among the groups gnomAD compares: African/African-American, 0.0027%; no homozygotes.

Submissions (4):

PreventionGenetics, part of Exact Sciences
Classification: Uncertain significance for GDAP1-related condition. Last evaluated: 2025-08-12. Review status: criteria provided, single submitter. Criteria: ACMG Guidelines, 2015. Collection method: clinical testing. Allele origin: germline.
Comment: The GDAP1 c.345C>G variant is predicted to result in the amino acid substitution p.Ser115Arg. This variant was reported as a variant of uncertain significance in a large cohort study of individuals with Charcot-Marie-Tooth disease; however, additional support for pathogenicity was not provided (Supp. Table 2, DiVincenzo et al. 2014. PubMed ID: 25614874). To our knowledge, this variant has not been reported in a large population database (gnomAD), indicating this variant is rare. At this time, the clinical significance of this variant is uncertain due to the absence of conclusive functional and genetic evidence.

Labcorp Genetics (formerly Invitae), Labcorp
Classification: Uncertain significance for Charcot-Marie-Tooth disease type 4A. Last evaluated: 2024-12-02. Review status: criteria provided, single submitter. Criteria: Invitae Variant Classification Sherloc (09022015). Collection method: clinical testing. Allele origin: germline.
Comment: This sequence change replaces serine, which is neutral and polar, with arginine, which is basic and polar, at codon 115 of the GDAP1 protein (p.Ser115Arg). This variant is not present in population databases (gnomAD no frequency). This variant has not been reported in the literature in individuals affected with GDAP1-related conditions. ClinVar contains an entry for this variant (Variation ID: 3063748). Invitae Evidence Modeling of protein sequence and biophysical properties (such as structural, functional, and spatial information, amino acid conservation, physicochemical variation, residue mobility, and thermodynamic stability) indicates that this missense variant is not expected to disrupt GDAP1 protein function with a negative predictive value of 80%. In summary, the available evidence is currently insufficient to determine the role of this variant in disease. Therefore, it has been classified as a Variant of Uncertain Significance.

Blueprint Genetics
Classification: Uncertain significance. Last evaluated: 2024-10-01. Review status: criteria provided, single submitter. Criteria: ACMG Guidelines, 2015. Collection method: clinical testing. Allele origin: germline.

Women's Health and Genetics/Laboratory Corporation of America, LabCorp
Classification: Uncertain significance. Last evaluated: 2024-01-03. Review status: criteria provided, single submitter. Criteria: LabCorp Variant Classification Summary - May 2015. Collection method: clinical testing. Allele origin: germline.
Comment: Variant summary: GDAP1 c.345C>G (p.Ser115Arg) results in a non-conservative amino acid change in the encoded protein sequence. Five of five in-silico tools predict a damaging effect of the variant on protein function. The variant was absent in 251470 control chromosomes (gnomAD). The available data on variant occurrences in the general population are insufficient to allow any conclusion about variant significance. c.345C>G has been reported in the literature in a cohort of individuals with neuropathy (e.g., DiVincenzo_2014), however authors classified the variant as a VUS and no co-occurrence or co-segregation data was provided. This report therefore does not provide unequivocal conclusions about association of the variant with Charcot-Marie Disease Type 4A. To our knowledge, no experimental evidence demonstrating an impact on protein function has been reported. The following publication was ascertained in the context of this evaluation (PMID: 25614874). No submitters have reported clinical-significance assessments for this variant to ClinVar after 2014. Based on the evidence outlined above, the variant was classified as uncertain significance.

Literature cited by the submitters: PubMed 25614874 (cited by Women's Health and Genetics/Laboratory Corporation of America, LabCorp).